The following is an entry in ClinVar:

ClinVar aggregate classification (germline): Benign. Review status: criteria provided, multiple submitters, no conflicts (2 of 4 stars). 6 submissions from 6 submitters: Benign (6). Last evaluated 2026-02-04.

Submissions (6):

Labcorp Genetics (formerly Invitae), Labcorp
Classification: Benign. Last evaluated: 2026-02-04. Review status: criteria provided, single submitter. Criteria: Invitae Variant Classification Sherloc (09022015). Collection method: clinical testing. Allele origin: germline.

Mayo Clinic Laboratories, Mayo Clinic
Classification: Benign. Last evaluated: 2020-10-02. Review status: criteria provided, single submitter. Criteria: ACMG Guidelines, 2015. Collection method: clinical testing. Allele origin: germline. Observed: 110 variant alleles.

GeneDx
Classification: Benign. Last evaluated: 2018-05-24. Review status: criteria provided, single submitter. Criteria: GeneDx Variant Classification Process June 2021. Collection method: clinical testing. Allele origin: germline. Affected: yes.

Eurofins Ntd Llc (ga)
Classification: Benign. Last evaluated: 2015-11-22. Review status: criteria provided, single submitter. Criteria: EGL Classification Definitions. Collection method: clinical testing. Allele origin: germline. Observed: 2 variant alleles, 1 heterozygote, 1 homozygote.

Laboratory for Molecular Medicine, Mass General Brigham Personalized Medicine
Classification: Benign. Last evaluated: 2012-03-08. Review status: criteria provided, single submitter. Criteria: LMM Criteria. Collection method: clinical testing. Allele origin: germline. Observed: 1,051 variant alleles.
Comment: 11581-3_11581-2insC in intron 55 of GPR98: This variant is not expected to have clinical significance because it has been found frequently in the general popula tion (rs34894132 - 7 entries) and in 9/13 cases from our laboratory.

PreventionGenetics, part of Exact Sciences
Classification: Benign. Review status: criteria provided, single submitter. Criteria: ACMG Guidelines, 2015. Collection method: clinical testing. Allele origin: germline.

NM_032119.4(ADGRV1):c.11581-3dup

Gene: ADGRV1 (adhesion G protein-coupled receptor V1; plus strand). Cytogenetic location: 5q14.3.
Variant type: Duplication.
Coding change: c.11581-3dup on transcript NM_032119.4 (MANE Select); 3 bases into the intron before coding-DNA position 11581, one base duplicated (C; older notation c.11581-3dupC).
Genome position (GRCh38, 1-based): chr5:90,756,451, C duplicated; the last of 5 consecutive C bases (chr5:90,756,447-90,756,451); duplicating any one gives the same sequence. VCF-style (leftmost placement, unchanged base first): chr5-90756446-T-TC. GRCh37 (hg19) VCF-style: chr5-90052263-T-TC.
Other names: p.?; c.11581-3dupC (NM_032119.3).
Identifiers: ClinVar variation 46256 (VCV000046256.21), dbSNP rs34894132, ClinGen allele CA138004.
Genomic context (GRCh38, chr5:90,756,446, plus strand): 5'-CAAGTATTCAATGCAAGTTAAATGTCTTAAAAAAAAATGAAACACCATCTTTTTCCCCCA[T>TC]CCCCCAGGATGACCTTCCTGAATTGGAGGAAGGATTTATTGTCACTATCACTGAGGTGAA-3'